The following is an entry in ClinVar:

NM_004260.4(RECQL4):c.512G>A (p.Arg171Gln)

Gene: RECQL4 (RecQ like helicase 4; minus strand). Cytogenetic location: 8q24.3.
Variant type: single nucleotide variant.
Coding change: c.512G>A on transcript NM_004260.4 (MANE Select); coding-DNA position 512, G replaced by A.
Protein change: p.Arg171Gln; replaces arginine 171 with glutamine.
Molecular consequence: missense variant.
Genome position (GRCh38, 1-based): chr8:144,516,607, C>T on the plus strand (G>A on the coding strand, the complement: RECQL4 is on the minus strand). VCF-style: chr8-144516607-C-T. GRCh37 (hg19) VCF-style: chr8-145741991-C-T.
Other names: short protein forms R171Q.
Identifiers: ClinVar variation 937155 (VCV000937155.11), dbSNP rs770777125, ClinGen allele CA4949265.
Genomic context (GRCh38, chr8:144,516,607, plus strand): 5'-AACCAGCCAGGATCTAGGGAGCCCAGCCGCTGGCTCAGGGATGCCTGCAGATGCTGGAGC[C>T]GGCCTGGCCTTGGCTGGGGCTCAGGGAGCTGTGGAGGCTCATCACTGACTTTTTCTGCAA-3'
Protein context (NP_004251.4, residues 161-181): QLPEPQPRPG[Arg171Gln]LQHLQASLSQ

ClinVar aggregate classification (germline): Conflicting classifications of pathogenicity. Review status: criteria provided, conflicting classifications (1 of 4 stars). 3 submissions from 3 submitters: Uncertain significance (2); Likely benign (1). Last evaluated 2025-11-12.

Conditions:
Inborn genetic diseases. Identifiers: MedGen C0950123, MeSH D030342.
Baller-Gerold syndrome (BGS). Also called: CRANIOSYNOSTOSIS WITH RADIAL DEFECTS. Identifiers: Orphanet 1225, MedGen C0265308, MONDO:0009039, OMIM 218600.

Allele frequency attached by ClinVar (database versions not stated): TOPMed below 0.00001; gnomAD 0.00001; gnomAD exomes 0.00001; ExAC 0.00002.

Submissions (3):

Ambry Genetics
Classification: Likely benign for Inborn genetic diseases. Last evaluated: 2025-11-12. Review status: criteria provided, single submitter. Criteria: Ambry Variant Classification Scheme 2023. Collection method: clinical testing. Allele origin: germline.

Labcorp Genetics (formerly Invitae), Labcorp
Classification: Uncertain significance for Baller-Gerold syndrome. Last evaluated: 2025-08-29. Review status: criteria provided, single submitter. Criteria: Invitae Variant Classification Sherloc (09022015). Collection method: clinical testing. Allele origin: germline.
Comment: This sequence change replaces arginine, which is basic and polar, with glutamine, which is neutral and polar, at codon 171 of the RECQL4 protein (p.Arg171Gln). This variant is present in population databases (rs770777125, gnomAD 0.002%). This variant has not been reported in the literature in individuals affected with RECQL4-related conditions. ClinVar contains an entry for this variant (Variation ID: 937155). Invitae Evidence Modeling of protein sequence and biophysical properties (such as structural, functional, and spatial information, amino acid conservation, physicochemical variation, residue mobility, and thermodynamic stability) indicates that this missense variant is not expected to disrupt RECQL4 protein function with a negative predictive value of 80%. In summary, the available evidence is currently insufficient to determine the role of this variant in disease. Therefore, it has been classified as a Variant of Uncertain Significance.

Revvity Omics, Revvity
Classification: Uncertain significance. Last evaluated: 2022-01-11. Review status: criteria provided, single submitter. Criteria: ACMG Guidelines, 2015. Collection method: clinical testing. Allele origin: germline.